The following is an entry in ClinVar:

ClinVar aggregate classification (germline): Uncertain significance (1 of 4 stars; one submission).

gnomAD v4.1: 15 of 1,613,938 alleles (0.00093%); highest among the groups gnomAD compares: South Asian, 0.015%; no homozygotes.

Submission:

Ambry Genetics
Classification: Uncertain significance. Last evaluated: 2025-06-25. Review status: criteria provided, single submitter. Criteria: Ambry Variant Classification Scheme 2023. Collection method: clinical testing. Allele origin: germline.
Comment: The c.1279T>G variant (also known as p.*427Eext*3), located in coding exon 5 of the EGLN1 gene, results from a T to G substitution at nucleotide position 1279. The stop codon at position 427 is replaced by Glutamic acid, resulting in an elongation of the protein by 3 amino acids. The exact functional effect of the additional amino acids is unknown. Based on the available evidence, the clinical significance of this variant remains unclear.

NM_022051.3(EGLN1):c.1279T>G (p.Ter427Glu)

Gene: EGLN1 (egl-9 family hypoxia inducible factor 1; minus strand). Cytogenetic location: 1q42.2.
Variant type: single nucleotide variant.
Coding change: c.1279T>G on transcript NM_022051.3 (MANE Select); coding-DNA position 1279, T replaced by G.
Protein change: p.Ter427Glu.
Molecular consequence: stop lost. On other transcripts: 3 prime UTR variant (2).
Genome position (GRCh38, 1-based): chr1:231,366,413, A>C on the plus strand (T>G on the coding strand, the complement: EGLN1 is on the minus strand). VCF-style: chr1-231366413-A-C. GRCh37 (hg19) VCF-style: chr1-231502159-A-C.
Other names: c.*59T>G (NM_001377260.1); c.*104T>G (NM_001377261.1).
Identifiers: ClinVar variation 4247382 (VCV004247382.1).